The following is an entry in ClinVar:

ClinVar aggregate classification (germline): Uncertain significance (1 of 4 stars; one submission).

Allele frequency attached by ClinVar (database versions not stated): ExAC 0.00001; TOPMed 0.00002; ESP Exome Variant Server 0.00008.
gnomAD v4.1: 5 of 1,614,184 alleles (0.00031%); highest among the groups gnomAD compares: African/African-American, 0.0053%; no homozygotes.

Submission:

Labcorp Genetics (formerly Invitae), Labcorp
Classification: Uncertain significance. Last evaluated: 2024-02-06. Review status: criteria provided, single submitter. Criteria: Invitae Variant Classification Sherloc (09022015). Collection method: clinical testing. Allele origin: germline.
Comment: This sequence change replaces lysine, which is basic and polar, with asparagine, which is neutral and polar, at codon 291 of the CFB protein (p.Lys291Asn). This variant is present in population databases (rs373768934, gnomAD 0.01%). This variant has not been reported in the literature in individuals affected with CFB-related conditions. ClinVar contains an entry for this variant (Variation ID: 2417513). Advanced modeling of protein sequence and biophysical properties (such as structural, functional, and spatial information, amino acid conservation, physicochemical variation, residue mobility, and thermodynamic stability) performed at Invitae indicates that this missense variant is not expected to disrupt CFB protein function with a negative predictive value of 80%. In summary, the available evidence is currently insufficient to determine the role of this variant in disease. Therefore, it has been classified as a Variant of Uncertain Significance.

NM_001710.6(CFB):c.873G>C (p.Lys291Asn)

Gene: CFB (complement factor B; plus strand). Cytogenetic location: 6p21.33.
Variant type: single nucleotide variant.
Coding change: c.873G>C on transcript NM_001710.6 (MANE Select); coding-DNA position 873, G replaced by C.
Protein change: p.Lys291Asn; replaces lysine 291 with asparagine.
Molecular consequence: missense variant.
Genome position (GRCh38, 1-based): chr6:31,948,057, G>C. VCF-style: chr6-31948057-G-C. GRCh37 (hg19) VCF-style: chr6-31915834-G-C.
Other names: short protein forms K291N.
Identifiers: ClinVar variation 2417513 (VCV002417513.5), dbSNP rs373768934, ClinGen allele CA3728173.
Genomic context (GRCh38, chr6:31,948,057, plus strand): 5'-CTACCTGGTGCTAGATGGATCAGACAGCATTGGGGCCAGCAACTTCACAGGAGCCAAAAA[G>C]TGTCTAGTCAACTTAATTGAGAAGGTGGAATCCTCCTATCCCTGAACTCGGGGGAATGGA-3'
Protein context (NP_001701.2, residues 281-301): IGASNFTGAK[Lys291Asn]CLVNLIEKVA